The following is an entry in ClinVar:

ClinVar aggregate classification (germline): Pathogenic/Likely pathogenic. Review status: criteria provided, multiple submitters, no conflicts (2 of 4 stars). 3 submissions from 3 submitters: Pathogenic (1); Likely pathogenic (2). Last evaluated 2024-10-30.

Conditions:
Renal carnitine transport defect (CDSP). Also called: Primary carnitine deficiency; CARNITINE DEFICIENCY, SYSTEMIC, DUE TO DEFECT IN RENAL REABSORPTION OF CARNITINE; CARNITINE TRANSPORTER, PLASMA-MEMBRANE, DEFICIENCY OF; CARNITINE UPTAKE DEFECT; Systemic primary carnitine deficiency; Systemic primary carnitine deficiency disease. Identifiers: Orphanet 158, MedGen C0342788, MONDO:0008919, OMIM 212140.

Allele frequency attached by ClinVar (database versions not stated): gnomAD 0.00001; gnomAD exomes 0.00001.
gnomAD v4.1: 18 of 1,614,056 alleles (0.0011%); highest among the groups gnomAD compares: African/African-American, 0.0027%; no homozygotes.

Submissions (3):

Labcorp Genetics (formerly Invitae), Labcorp
Classification: Pathogenic for Renal carnitine transport defect. Last evaluated: 2024-10-30. Review status: criteria provided, single submitter. Criteria: Invitae Variant Classification Sherloc (09022015). Collection method: clinical testing. Allele origin: germline.
Comment: This sequence change replaces phenylalanine, which is neutral and non-polar, with leucine, which is neutral and non-polar, at codon 230 of the SLC22A5 protein (p.Phe230Leu). This variant is present in population databases (rs756650860, gnomAD 0.004%). This missense change has been observed in individual(s) with carnitine deficiency (PMID: 20574985; internal data). ClinVar contains an entry for this variant (Variation ID: 460412). Invitae Evidence Modeling of protein sequence and biophysical properties (such as structural, functional, and spatial information, amino acid conservation, physicochemical variation, residue mobility, and thermodynamic stability) indicates that this missense variant is expected to disrupt SLC22A5 protein function with a positive predictive value of 95%. Experimental studies have shown that this missense change affects SLC22A5 function (PMID: 28841266). For these reasons, this variant has been classified as Pathogenic.

Baylor Genetics
Classification: Likely pathogenic for Renal carnitine transport defect. Last evaluated: 2023-12-22. Review status: criteria provided, single submitter. Criteria: ACMG Guidelines, 2015. Collection method: clinical testing. Allele origin: unknown.

Fulgent Genetics
Classification: Likely pathogenic for Renal carnitine transport defect. Last evaluated: 2021-11-18. Review status: criteria provided, single submitter. Criteria: ACMG Guidelines, 2015. Collection method: clinical testing. Allele origin: unknown.

Literature cited by the submitters: PubMed 20574985 (cited by Labcorp Genetics (formerly Invitae), Labcorp); PubMed 28841266 (cited by Labcorp Genetics (formerly Invitae), Labcorp).

NM_003060.4(SLC22A5):c.688T>C (p.Phe230Leu)

Gene: SLC22A5 (solute carrier family 22 member 5; plus strand). Cytogenetic location: 5q31.1.
Variant type: single nucleotide variant.
Coding change: c.688T>C on transcript NM_003060.4 (MANE Select); coding-DNA position 688, T replaced by C.
Protein change: p.Phe230Leu; replaces phenylalanine 230 with leucine.
Molecular consequence: missense variant.
Genome position (GRCh38, 1-based): chr5:132,385,363, T>C. VCF-style: chr5-132385363-T-C. GRCh37 (hg19) VCF-style: chr5-131721055-T-C.
Other names: c.760T>C, p.Phe254Leu (NM_001308122.2); short protein forms F230L, F254L.
Identifiers: ClinVar variation 460412 (VCV000460412.13), dbSNP rs756650860, ClinGen allele CA127209308.